The following is an entry in ClinVar:

ClinVar aggregate classification (germline): Uncertain significance (1 of 4 stars; one submission).

Conditions:
Cardiomyopathy (CMYO). Also called: Cardiomyopathies. Identifiers: Orphanet 167848, MedGen C0878544, MONDO:0004994, HP:0001638. Inheritance: Various modes of inheritance.

gnomAD v4.1: 2 of 1,614,010 alleles (0.00012%); highest among the groups gnomAD compares: Non-Finnish European, 0.00017%; no homozygotes.

Submission:

All of Us Research Program, National Institutes of Health
Classification: Uncertain significance for Cardiomyopathy. Last evaluated: 2024-05-17. Review status: criteria provided, single submitter. Criteria: ACMG Guidelines, 2015. Collection method: clinical testing. Allele origin: germline. Inheritance: Autosomal dominant inheritance. Observed: 1 variant allele, 1 heterozygote.
Comment: This study involves interpretation of variants in research participants for the purpose of population health screening. Participant phenotype was not available at the time of variant classification. Additional details can be found in publication PMID: 35346344, PMCID: PMC8962531

NM_001276345.2(TNNT2):c.256C>A (p.Pro86Thr)

Gene: TNNT2 (troponin T2, cardiac type; minus strand). Cytogenetic location: 1q32.1.
Variant type: single nucleotide variant.
Coding change: c.256C>A on transcript NM_001276345.2 (MANE Select); coding-DNA position 256, C replaced by A.
Protein change: p.Pro86Thr; replaces proline 86 with threonine.
Molecular consequence: missense variant.
Genome position (GRCh38, 1-based): chr1:201,365,648, G>T on the plus strand (C>A on the coding strand, the complement: TNNT2 is on the minus strand). VCF-style: chr1-201365648-G-T. GRCh37 (hg19) VCF-style: chr1-201334776-G-T.
Other names: c.256C>A, p.Pro86Thr (NM_000364.4, NM_001406723.1); c.226C>A, p.Pro76Thr (NM_001001430.3, NM_001001431.3, NM_001276347.2 and 3 more transcripts); c.211C>A, p.Pro71Thr (NM_001001432.3, NM_001406728.1); c.253C>A, p.Pro85Thr (NM_001276346.2); c.223C>A, p.Pro75Thr (NM_001406725.1); short protein forms P71T, P75T, P76T, P85T, P86T.
Identifiers: ClinVar variation 3386119 (VCV003386119.1).